The following is an entry in ClinVar:

ClinVar aggregate classification (germline): Benign (0 of 4 stars; one submission).

Conditions:
SYNRG-related disorder. Also called: SYNRG-related condition.

Allele frequency attached by ClinVar (database versions not stated): gnomAD exomes 0.00516; ExAC 0.01685; gnomAD 0.05169; 1000 Genomes Project 0.05691; TOPMed 0.05848; 1000 Genomes Project 30x 0.06137; ESP Exome Variant Server 0.06213.
gnomAD v4.1: 15,726 of 1,614,174 alleles (0.97%); highest among the groups gnomAD compares: African/African-American, 18%; 1,337 homozygotes.

Submission:

PreventionGenetics, part of Exact Sciences
Classification: Benign for SYNRG-related condition. Last evaluated: 2019-09-06. Review status: no assertion criteria provided. Collection method: clinical testing. Allele origin: germline.
Comment: This variant is classified as benign based on ACMG/AMP sequence variant interpretation guidelines (Richards et al. 2015 PMID: 25741868, with internal and published modifications).

NM_007247.6(SYNRG):c.2886A>C (p.Pro962=)

Genes: SYNRG (synergin gamma; minus strand), LOC126862546 (MED14-independent group 3 enhancer GRCh37_chr17:35901785-35902984; plus strand). Cytogenetic location: 17q12.
Variant type: single nucleotide variant.
Coding change: c.2886A>C on transcript NM_007247.6 (MANE Select); coding-DNA position 2886, A replaced by C.
Protein change: p.Pro962=; no amino-acid change (proline 962 retained).
Molecular consequence: synonymous variant.
Genome position (GRCh38, 1-based): chr17:37,542,288, T>G on the plus strand (A>C on the coding strand, the complement: SYNRG is on the minus strand). VCF-style: chr17-37542288-T-G. GRCh37 (hg19) VCF-style: chr17-35902390-T-G.
Other names: c.2652A>C, p.Pro884= (NM_001163544.3, NM_080550.5, NM_198882.3); c.2649A>C, p.Pro883= (NM_001163545.3); c.2517A>C, p.Pro839= (NM_001163546.3); c.2268A>C, p.Pro756= (NM_001163547.3); c.3189A>C, p.Pro1063= (NM_001405103.1); c.*679A>C (NM_080551.1).
Identifiers: ClinVar variation 3041461 (VCV003041461.2), dbSNP rs61753647, ClinGen allele CA8517356.